The following is an entry in ClinVar:

ClinVar aggregate classification (germline): Uncertain significance. Review status: criteria provided, multiple submitters, no conflicts (2 of 4 stars). 3 submissions from 3 submitters: Uncertain significance (3). Last evaluated 2023-10-01.

Allele frequency attached by ClinVar (database versions not stated): gnomAD exomes 0.00003 and 0.00005; TOPMed 0.00004; ExAC 0.00006.
gnomAD v4.1: 43 of 1,555,110 alleles (0.0028%); highest among the groups gnomAD compares: Non-Finnish European, 0.0035%; no homozygotes.

Submissions (3):

CeGaT Center for Human Genetics Tuebingen
Classification: Uncertain significance. Last evaluated: 2023-10-01. Review status: criteria provided, single submitter. Criteria: CeGaT Center For Human Genetics Tuebingen Variant Classification Criteria Version 2. Collection method: clinical testing. Allele origin: germline. Affected: yes. Observed: 1 variant allele.
Comment: RTTN: PM2

Blueprint Genetics
Classification: Uncertain significance. Last evaluated: 2023-08-18. Review status: criteria provided, single submitter. Criteria: ACMG Guidelines, 2015. Collection method: clinical testing. Allele origin: germline.

Genetic Services Laboratory, University of Chicago
Classification: Uncertain significance. Last evaluated: 2017-08-07. Review status: criteria provided, single submitter. Criteria: ACMG Guidelines, 2015. Collection method: clinical testing. Allele origin: germline. Affected: no.

NM_173630.4(RTTN):c.3401C>G (p.Pro1134Arg)

Gene: RTTN (rotatin; minus strand). Cytogenetic location: 18q22.2.
Variant type: single nucleotide variant.
Coding change: c.3401C>G on transcript NM_173630.4 (MANE Select); coding-DNA position 3401, C replaced by G.
Protein change: p.Pro1134Arg; replaces proline 1134 with arginine.
Molecular consequence: missense variant.
Genome position (GRCh38, 1-based): chr18:70,121,683, G>C on the plus strand (C>G on the coding strand, the complement: RTTN is on the minus strand). VCF-style: chr18-70121683-G-C. GRCh37 (hg19) VCF-style: chr18-67788919-G-C.
Other names: c.665C>G, p.Pro222Arg (NM_001318520.2); short protein forms P1134R, P222R.
Identifiers: ClinVar variation 1336199 (VCV001336199.29), dbSNP rs751565369, ClinGen allele CA8995594.